The following is an entry in ClinVar:

ClinVar aggregate classification (germline): Uncertain significance (1 of 4 stars; one submission).

Submissions (2):

CeGaT Center for Human Genetics Tuebingen
Classification: Uncertain significance. Last evaluated: 2023-07-01. Review status: criteria provided, single submitter. Criteria: CeGaT Center For Human Genetics Tuebingen Variant Classification Criteria Version 2. Collection method: clinical testing. Allele origin: germline. Affected: yes. Observed: 1 variant allele.
Comment: GRIK2: PM2, PP3

Dr. Peter K. Rogan Lab, Western University
No classification provided (evidence only). Condition: Melanoma. Review status: no classification provided. Collection method: in vitro. Allele origin: not applicable. Functional consequence: retained intron. Not counted in ClinVar's aggregate classification.

NM_021956.5(GRIK2):c.322G>T (p.Gly108Trp)

Gene: GRIK2 (glutamate ionotropic receptor kainate type subunit 2; plus strand). Cytogenetic location: 6q16.3.
Variant type: single nucleotide variant.
Coding change: c.322G>T on transcript NM_021956.5 (MANE Select); coding-DNA position 322, G replaced by T.
Protein change: p.Gly108Trp; replaces glycine 108 with tryptophan.
Molecular consequence: missense variant.
Genome position (GRCh38, 1-based): chr6:101,626,418, G>T. VCF-style: chr6-101626418-G-T. GRCh37 (hg19) VCF-style: chr6-102074293-G-T.
Other names: NC_000006.11:g.102074293G>T; c.322G>T, p.Gly108Trp (NM_001166247.1, NM_175768.3); short protein forms G108W.
Identifiers: ClinVar variation 2656786 (VCV002656786.25), dbSNP rs1780442929, ClinGen allele CA365307277.